The following is an entry in ClinVar:

NM_001290060.2(SEMA3B):c.2030C>T (p.Ala677Val)

Gene: SEMA3B (semaphorin 3B; plus strand). Cytogenetic location: 3p21.31.
Variant type: single nucleotide variant.
Coding change: c.2030C>T on transcript NM_001290060.2 (MANE Select); coding-DNA position 2030, C replaced by T.
Protein change: p.Ala677Val; replaces alanine 677 with valine.
Molecular consequence: missense variant. On other transcripts: non-coding transcript variant (1).
Genome position (GRCh38, 1-based): chr3:50,276,486, C>T. VCF-style: chr3-50276486-C-T. GRCh37 (hg19) VCF-style: chr3-50313917-C-T.
Other names: c.2027C>T, p.Ala676Val (NM_001005914.3, NM_001435957.1, NM_001435958.1); c.2045C>T, p.Ala682Val (NM_001290061.1); c.1001C>T, p.Ala334Val (NM_001290062.2, NM_001290063.2); c.2030C>T, p.Ala677Val (NM_001435956.1, NM_004636.4); short protein forms A334V, A682V, A676V, A677V.
Identifiers: ClinVar variation 5000943 (VCV005000943.1).

ClinVar aggregate classification (germline): Uncertain significance (1 of 4 stars; one submission).

Conditions:
SEMA3B-related disorder. Also called: SEMA3B-related condition.

Submission:

PreventionGenetics, part of Exact Sciences
Classification: Uncertain significance for SEMA3B-related condition. Last evaluated: 2024-12-18. Review status: criteria provided, single submitter. Criteria: ACMG Guidelines, 2015. Collection method: clinical testing. Allele origin: germline.
Comment: The SEMA3B c.2045C>T variant is predicted to result in the amino acid substitution p.Ala682Val. To our knowledge, this variant has not been reported in the literature or in a large population database (gnomAD), indicating this variant is rare. At this time, the clinical significance of this variant is uncertain due to the absence of conclusive functional and genetic evidence.